The following is an entry in ClinVar:

ClinVar aggregate classification (germline): drug response. Review status: reviewed by expert panel (3 of 4 stars). 13 submissions from 13 submitters: drug response (1). 12 of the submissions do not count toward it. Last evaluated 2021-03-24.

Conditions:
Cystic fibrosis (CF). Also called: MUCOVISCIDOSIS. Identifiers: Orphanet 586, MedGen C0010674, MONDO:0009061, OMIM 219700. Disease mechanism: loss of function.
CFTR-related disorder (CFTR-RD). Also called: CFTR-related condition; CFTR-related disorders. Identifiers: MedGen C5924204, MONDO:7770004.
Bronchiectasis with or without elevated sweat chloride 1 (BESC1). Also called: Cystic Fibrosis-Like Syndrome. Identifiers: Orphanet 60033, MedGen C2749757, MONDO:0008887, OMIM 211400.
ivacaftor response - Efficacy. Identifiers: MedGen CN322735.

Allele frequency attached by ClinVar (database versions not stated): gnomAD exomes 0.00001 and 0.00002.
gnomAD v4.1: 15 of 1,613,752 alleles (0.00093%); highest among the groups gnomAD compares: Non-Finnish European, 0.0013%; no homozygotes.

Submissions (13):

ClinPGx
Classification: drug response for ivacaftor response - Efficacy. Last evaluated: 2021-03-24. Review status: reviewed by expert panel. Criteria: Pharmacogenomics knowledge for personalized medicine. Collection method: curation. Allele origin: germline. Affected: yes.
Comment: PharmGKB Level of Evidence 1A: Level 1A clinical annotations describe variant-drug combinations that have variant-specific prescribing guidance available in a current clinical guideline annotation or an FDA-approved drug label annotation. Annotations of drug labels or clinical guidelines must give prescribing guidance for specific variants (e.g. CYP2C9*3, HLA-B*57:01) or provide mapping from defined allele functions to diplotypes and phenotypes to be used as supporting evidence for a level 1A clinical annotation. Level 1A clinical annotations must also be supported by at least one publication in addition to a clinical guideline or drug label with variant-specific prescribing guidance.

Drug is not necessarily used to treat response condition

GeneDx
Classification: Likely pathogenic. Last evaluated: 2026-04-05. Review status: criteria provided, single submitter. Criteria: GeneDx Variant Classification Process June 2021. Collection method: clinical testing. Allele origin: germline. Not counted in ClinVar's aggregate classification.
Comment: In silico analysis supports that this missense variant has a deleterious effect on protein structure/function; Classified as a variant of varying clinical consequence in a well-curated database (CFTR2); This variant is associated with the following publications: (PMID: 34782259, 38388235, 30561903, 23891399, 31328366, 25024266, 39074961, 26823392, 26471113, 29805046, 33470563, 30888834, 11883825, 32357917, 30760291, 10790222)

Natera, Inc.
Classification: Pathogenic for CFTR-related disorders. Last evaluated: 2026-01-02. Review status: criteria provided, single submitter. Criteria: Natera Variant Classification Schema (03/2026). Collection method: clinical testing. Allele origin: germline. Not counted in ClinVar's aggregate classification.
Comment: The c.330C>A variant in CFTR is a missense variant predicted to cause substitution of aspartic acid to glutamic acid at amino acid 110. This variant is rare in the general population with a frequency below the threshold expected for the associated phenotype(s). This variant has been observed in one or more individuals affected with the associated recessive disease, as either homozygous or compound heterozygous with a second variant (PMID: 10790222). Functional studies show that this variant may disrupt protein function (PMID: 29805046). Another variant at this same site results in an alteration predicted to cause a similar molecular effect has been observed in individual(s) with the associated phenotype. A different variant at the same position has been determined to be Pathogenic or Likely Pathogenic. Computational prediction algorithms indicate this variant is likely to affect gene or protein function. Given the available evidence, this variant is classified as Pathogenic.

Labcorp Genetics (formerly Invitae), Labcorp
Classification: Pathogenic for Cystic fibrosis. Last evaluated: 2025-07-29. Review status: criteria provided, single submitter. Criteria: Invitae Variant Classification Sherloc (09022015). Collection method: clinical testing. Allele origin: germline. Not counted in ClinVar's aggregate classification.
Comment: This sequence change replaces aspartic acid, which is acidic and polar, with glutamic acid, which is acidic and polar, at codon 110 of the CFTR protein (p.Asp110Glu). This variant is present in population databases (rs397508537, gnomAD 0.003%). This missense change has been observed in individual(s) with cystic fibrosis (PMID: 10790222, 11883825). ClinVar contains an entry for this variant (Variation ID: 53714). Invitae Evidence Modeling of protein sequence and biophysical properties (such as structural, functional, and spatial information, amino acid conservation, physicochemical variation, residue mobility, and thermodynamic stability) indicates that this missense variant is not expected to disrupt CFTR protein function with a negative predictive value of 80%. Experimental studies have shown that this missense change affects CFTR function (PMID: 23891399, 29805046). This variant disrupts the p.Asp110 amino acid residue in CFTR. Other variant(s) that disrupt this residue have been determined to be pathogenic (PMID: 9272157, 18373402, 19897426, 22724884). This suggests that this residue is clinically significant, and that variants that disrupt this residue are likely to be disease-causing. For these reasons, this variant has been classified as Pathogenic.

Johns Hopkins Genomics, Johns Hopkins University
Classification: Pathogenic for Cystic fibrosis. Last evaluated: 2025-07-14. Review status: criteria provided, single submitter. Criteria: ACMG Guidelines, 2015. Collection method: clinical testing. Allele origin: germline. Not counted in ClinVar's aggregate classification.
Comment: CFTR variant associated with varying clinical consequence. See CFTR2 for phenotype information.

Ambry Genetics
Classification: Likely pathogenic for Cystic fibrosis. Last evaluated: 2025-01-14. Review status: criteria provided, single submitter. Criteria: Ambry Variant Classification Scheme 2023. Collection method: clinical testing. Allele origin: germline. Not counted in ClinVar's aggregate classification.
Comment: The p.D110E variant (also known as c.330C>A), located in coding exon 4 of the CFTR gene, results from a C to A substitution at nucleotide position 330. The aspartic acid at codon 110 is replaced by glutamic acid, an amino acid with highly similar properties. This variant has been identified in multiple individuals, including one homozygous individual with borderline sweat chloride levels and no lung disease (Padoan R et al. Hum. Mutat., 2000 May;15:485; Padoan R et al. Acta Paediatr, 2002;91:82-7; Poulou M et al. J. Cyst. Fibros., 2012 Jul;11:344-8). Functional studies demonstrated that this variant results in reduced CFTR channel function, compared to wild-type protein (Cui G et al. J. Gen. Physiol., 2014 Aug;144:159-79; Van Goor F et al. J. Cyst. Fibros., 2014 Jan;13:29-36; Raraigh KS et al. Am. J. Hum. Genet., 2018 06;102:1062-1077). This amino acid position is highly conserved in available vertebrate species. In addition, this alteration is predicted to be deleterious by in silico analysis. This variant is considered to be rare based on population cohorts in the Genome Aggregation Database (gnomAD). Based on the majority of available evidence to date, this variant is likely to be pathogenic.

Baylor Genetics
Classification: Likely pathogenic for Bronchiectasis with or without elevated sweat chloride 1. Last evaluated: 2024-03-27. Review status: criteria provided, single submitter. Criteria: ACMG Guidelines, 2015. Collection method: clinical testing. Allele origin: unknown. Not counted in ClinVar's aggregate classification.

Laboratory of Medical Genetics, National & Kapodistrian University of Athens
Classification: Pathogenic for Cystic fibrosis. Last evaluated: 2024-02-01. Review status: criteria provided, single submitter. Criteria: ACMG Guidelines, 2015. Collection method: curation. Allele origin: germline. Affected: no. Not counted in ClinVar's aggregate classification.

Women's Health and Genetics/Laboratory Corporation of America, LabCorp
Classification: Pathogenic for Cystic fibrosis. Last evaluated: 2020-08-17. Review status: criteria provided, single submitter. Criteria: LabCorp Variant Classification Summary - May 2015. Collection method: clinical testing. Allele origin: germline. Not counted in ClinVar's aggregate classification.
Comment: Variant summary: CFTR c.330C>A (p.Asp110Glu) results in a conservative amino acid change located in the ABC transporter type 1, transmembrane domain (IPR011527) of the encoded protein sequence. Three of five in-silico tools predict a damaging effect of the variant on protein function. The variant allele was found at a frequency of 1.6e-05 in 251104 control chromosomes (gnomAD). c.330C>A has been reported in the literature in multiple individuals affected with varying phenotypes, predominantly presenting as a mild phenotype, which patients have a borderline sweat chloride level, pancreatic sufficiency, and normal lung function (Colombo_2006, Padoan_2002, Sermet-Gaudelus__2010, Tzetis_2001, Xie_2015, McCague_2019). These data indicate that the variant is very likely to be associated with disease. However, functional studies have indicated that the variant greater affects chloride transport (van Goor_2013, Raraigh_2018) and significantly longer mean burst durations (Cui_2014 and Infield_2016). Authors further go on to state "the structure of ECL1 must be tuned delicately to maintain function...none of the charge-retaining mutations identified in ECL1 are able to completely rescue the mutant channel behavior to that of WT-CFTR. This is likely the result of a requirement for very specific bond angles within a network of charged residues that control the architecture of ECL1"(Cui_2014)." Furthermore, another variant at this location D110H has been classified as "pathogenic" by LCA, along with another variant being reported D110R (Cui_2014), therefore, suggesting this location is a mutational hotspot and important for protein function. Three ClinVar submitters (evaluation after 2014) cite the variant as uncertain significance (1x) and pathogenic (2x). Based on the evidence outlined above, the variant was classified as pathogenic.

CFTR-France
Classification: Pathogenic for cystic fibrosis; CFTR-related disorders. Last evaluated: 2018-03-09. Review status: criteria provided, single submitter. Criteria: Claustres M et al. (Hum Mutat 2017). Collection method: curation. Allele origin: germline. Affected: yes. Not counted in ClinVar's aggregate classification.
Comment: the variant causes a phenotype but regarding our data, we can't formally attribute it to CF, CFTR-RD or both

Eurofins Ntd Llc (ga)
Classification: Pathogenic. Last evaluated: 2017-05-23. Review status: criteria provided, single submitter. Criteria: EGL Classification Definitions 2015. Collection method: clinical testing. Allele origin: germline. Observed: 1 variant allele, 1 heterozygote. Not counted in ClinVar's aggregate classification.

Counsyl
Classification: Uncertain significance for Cystic fibrosis. Last evaluated: 2017-12-14. Review status: no assertion criteria provided. Collection method: clinical testing. Allele origin: unknown. Not counted in ClinVar's aggregate classification.

ClinVar Staff, National Center for Biotechnology Information (NCBI)
No classification provided. Condition: CFTR-related disorders. Review status: no classification provided. Collection method: literature only. Allele origin: germline. Affected: yes. Not counted in ClinVar's aggregate classification.

Literature cited by the submitters: PubMed 23891399 (cited by 6 submitters); PubMed 10790222 (cited by 6 submitters); PubMed 29805046 (cited by 5 submitters); PubMed 11883825 (cited by 3 submitters); PubMed 9272157 (cited by Labcorp Genetics (formerly Invitae), Labcorp); PubMed 18373402 (cited by Labcorp Genetics (formerly Invitae), Labcorp); PubMed 19897426 (cited by Labcorp Genetics (formerly Invitae), Labcorp); PubMed 22724884 (cited by Labcorp Genetics (formerly Invitae), Labcorp); PubMed 24086355 (cited by Johns Hopkins Genomics, Johns Hopkins University); PubMed 25024266 (cited by 4 submitters); PubMed 34782259 (cited by Johns Hopkins Genomics, Johns Hopkins University); PubMed 38388235 (cited by Johns Hopkins Genomics, Johns Hopkins University); PubMed 22326559 (cited by 4 submitters); PubMed 25735457 (cited by Ambry Genetics and Women's Health and Genetics/Laboratory Corporation of America, LabCorp); PubMed 26471113 (cited by Ambry Genetics and Women's Health and Genetics/Laboratory Corporation of America, LabCorp); PubMed 26847993 (cited by Ambry Genetics and Women's Health and Genetics/Laboratory Corporation of America, LabCorp); PubMed 29812963 (cited by Ambry Genetics); PubMed 30561903 (cited by Ambry Genetics); PubMed 31328366 (cited by Ambry Genetics); PubMed 11354633 (cited by Women's Health and Genetics/Laboratory Corporation of America, LabCorp); PubMed 12752573 (cited by Women's Health and Genetics/Laboratory Corporation of America, LabCorp and Counsyl); PubMed 24813944 (cited by Women's Health and Genetics/Laboratory Corporation of America, LabCorp); PubMed 20538955 (cited by 3 submitters); PubMed 26684250 (cited by Women's Health and Genetics/Laboratory Corporation of America, LabCorp); PubMed 30888834 (cited by Women's Health and Genetics/Laboratory Corporation of America, LabCorp); PubMed 11810271 (cited by Counsyl); PubMed 17272608 (cited by Counsyl).

NM_000492.4(CFTR):c.330C>A (p.Asp110Glu)

Gene: CFTR (CF transmembrane conductance regulator; plus strand). Cytogenetic location: 7q31.2.
Variant type: single nucleotide variant.
Coding change: c.330C>A on transcript NM_000492.4 (MANE Select); coding-DNA position 330, C replaced by A.
Protein change: p.Asp110Glu; replaces aspartic acid 110 with glutamic acid.
Molecular consequence: missense variant.
Genome position (GRCh38, 1-based): chr7:117,530,955, C>A. VCF-style: chr7-117530955-C-A. GRCh37 (hg19) VCF-style: chr7-117171009-C-A.
Other names: short protein forms D110E.
Identifiers: ClinVar variation 53714 (VCV000053714.27), dbSNP rs397508537, ClinGen allele CA327140.